The following is an entry in ClinVar:

NM_025179.4(PLXNA2):c.3429G>T (p.Pro1143=)

Gene: PLXNA2 (plexin A2; minus strand). Cytogenetic location: 1q32.2.
Variant type: single nucleotide variant.
Coding change: c.3429G>T on transcript NM_025179.4 (MANE Select); coding-DNA position 3429, G replaced by T.
Protein change: p.Pro1143=; no amino-acid change (proline 1143 retained).
Molecular consequence: synonymous variant.
Genome position (GRCh38, 1-based): chr1:208,045,944, C>A on the plus strand (G>T on the coding strand, the complement: PLXNA2 is on the minus strand). VCF-style: chr1-208045944-C-A. GRCh37 (hg19) VCF-style: chr1-208219289-C-A.
Identifiers: ClinVar variation 3356663 (VCV003356663.1).
Genomic context (GRCh38, chr1:208,045,944, plus strand): 5'-AATGATGGGCGATCCTGGCTTTTGATCCAAGACTCCAGTAGGGCTAAGCAGTTCAAAGGT[C>A]GGGTTGGGGTAGTAGATAAACTTGGTGTCGTTGTAAATTAGCAAGGATTGGACATTGTTA-3'
Protein context (NP_079455.3, residues 1133-1153): NDTKFIYYPN[Pro1143=]TFELLSPTGV

ClinVar aggregate classification (germline): Likely benign (0 of 4 stars; one submission).

Conditions:
PLXNA2-related disorder. Also called: PLXNA2-related condition.

gnomAD v4.1: 6 of 1,614,096 alleles (0.00037%); highest among the groups gnomAD compares: Non-Finnish European, 0.00051%; no homozygotes.

Submission:

PreventionGenetics, part of Exact Sciences
Classification: Likely benign for PLXNA2-related condition. Last evaluated: 2024-05-23. Review status: no assertion criteria provided. Collection method: clinical testing. Allele origin: germline.
Comment: This variant is classified as likely benign based on ACMG/AMP sequence variant interpretation guidelines (Richards et al. 2015 PMID: 25741868, with internal and published modifications).